The following is an entry in ClinVar:

ClinVar aggregate classification (germline): Uncertain significance. Review status: criteria provided, multiple submitters, no conflicts (2 of 4 stars). 2 submissions from 2 submitters: Uncertain significance (2). Last evaluated 2026-05-12.

Conditions:
Inborn genetic diseases. Identifiers: MedGen C0950123, MeSH D030342.

Submissions (2):

Ambry Genetics
Classification: Uncertain significance for Inborn genetic diseases. Last evaluated: 2026-05-12. Review status: criteria provided, single submitter. Criteria: Ambry Variant Classification Scheme 2023. Collection method: clinical testing. Allele origin: germline.

Labcorp Genetics (formerly Invitae), Labcorp
Classification: Uncertain significance. Last evaluated: 2021-08-31. Review status: criteria provided, single submitter. Criteria: Invitae Variant Classification Sherloc (09022015). Collection method: clinical testing. Allele origin: germline.
Comment: This sequence change replaces serine with cysteine at codon 1044 of the CDH23 protein (p.Ser1044Cys). The serine residue is highly conserved and there is a moderate physicochemical difference between serine and cysteine. This variant is not present in population databases (ExAC no frequency). This variant has not been reported in the literature in individuals affected with CDH23-related conditions. Algorithms developed to predict the effect of missense changes on protein structure and function are either unavailable or do not agree on the potential impact of this missense change (SIFT: "Deleterious"; PolyPhen-2: "Not Available"; Align-GVGD: "Class C15"). In summary, the available evidence is currently insufficient to determine the role of this variant in disease. Therefore, it has been classified as a Variant of Uncertain Significance.

NM_022124.6(CDH23):c.3130A>T (p.Ser1044Cys)

Gene: CDH23 (cadherin related 23; plus strand). Cytogenetic location: 10q22.1.
Variant type: single nucleotide variant.
Coding change: c.3130A>T on transcript NM_022124.6 (MANE Select); coding-DNA position 3130, A replaced by T.
Protein change: p.Ser1044Cys; replaces serine 1044 with cysteine.
Molecular consequence: missense variant.
Genome position (GRCh38, 1-based): chr10:71,709,121, A>T. VCF-style: chr10-71709121-A-T. GRCh37 (hg19) VCF-style: chr10-73468878-A-T.
Other names: c.3130A>T (NM_022124.5); c.3130A>T, p.Ser1044Cys (NM_001171930.2); short protein forms S1044C.
Identifiers: ClinVar variation 1510453 (VCV001510453.6), dbSNP rs914114889, ClinGen allele CA377143084.